The following is an entry in ClinVar:

ClinVar aggregate classification (germline): Uncertain significance (1 of 4 stars; one submission).

Conditions:
Deafness-lymphedema-leukemia syndrome. Also called: Emberger syndrome; Lymphedema, primary, with myelodysplasia. Identifiers: Orphanet 3226, MedGen C3279664, MONDO:0013540, OMIM 614038.
Monocytopenia with susceptibility to infections. Also called: GATA2 DEFICIENCY; MONOCYTOPENIA AND MYCOBACTERIAL INFECTION SYNDROME; MONOCYTOPENIA WITH SUSCEPTIBILITY TO MYCOBACTERIAL, FUNGAL, AND PAPILLOMAVIRUS INFECTIONS AND MYELODYSPLASIA; COMBINED IMMUNODEFICIENCY WITH SUSCEPTIBILITY TO MYCOBACTERIAL, VIRAL, AND FUNGAL INFECTIONS; Dendritic cell, monocyte, B lymphocyte, and natural killer lymphocyte deficiency; IMMUNODEFICIENCY 21. Identifiers: Orphanet 228423, MedGen C3280030, MONDO:0013607, OMIM 614172.

Submission:

Labcorp Genetics (formerly Invitae), Labcorp
Classification: Uncertain significance for Monocytopenia with susceptibility to infections; Deafness-lymphedema-leukemia syndrome. Last evaluated: 2022-02-04. Review status: criteria provided, single submitter. Criteria: Invitae Variant Classification Sherloc (09022015). Collection method: clinical testing. Allele origin: germline.
Comment: This variant is not present in population databases (gnomAD no frequency). This sequence change replaces serine, which is neutral and polar, with glycine, which is neutral and non-polar, at codon 447 of the GATA2 protein (p.Ser447Gly). This variant has not been reported in the literature in individuals affected with GATA2-related conditions. In summary, the available evidence is currently insufficient to determine the role of this variant in disease. Therefore, it has been classified as a Variant of Uncertain Significance. Algorithms developed to predict the effect of missense changes on protein structure and function (SIFT, PolyPhen-2, Align-GVGD) all suggest that this variant is likely to be tolerated.

NM_032638.5(GATA2):c.1339A>G (p.Ser447Gly)

Gene: GATA2 (GATA binding protein 2; minus strand). Cytogenetic location: 3q21.3.
Variant type: single nucleotide variant.
Coding change: c.1339A>G on transcript NM_032638.5 (MANE Select); coding-DNA position 1339, A replaced by G.
Protein change: p.Ser447Gly; replaces serine 447 with glycine.
Molecular consequence: missense variant.
Genome position (GRCh38, 1-based): chr3:128,481,123, T>C on the plus strand (A>G on the coding strand, the complement: GATA2 is on the minus strand). VCF-style: chr3-128481123-T-C. GRCh37 (hg19) VCF-style: chr3-128199966-T-C.
Other names: c.1339A>G, p.Ser447Gly (NM_001145661.2); c.1297A>G, p.Ser433Gly (NM_001145662.1); short protein forms S447G, S433G.
Identifiers: ClinVar variation 2092999 (VCV002092999.4), dbSNP rs1576744275, ClinGen allele CA354412710.
Genomic context (GRCh38, chr3:128,481,123, plus strand): 5'-AGGAGAGGCTGGAGGAGGGGTGGATGGGCGTCGGAGTGGGCAGGATGTGTCCGGAGTGGC[T>C]GAAGGGCGGGAGGTGGCCCACAGGTGCCATGTGTCCAGCCAGGGCAGCTGCACTGAAGGG-3'
Protein context (NP_116027.2, residues 437-457): MAPVGHLPPF[Ser447Gly]HSGHILPTPT